The following is an entry in ClinVar:

ClinVar aggregate classification (germline): Conflicting classifications of pathogenicity. Review status: criteria provided, conflicting classifications (1 of 4 stars). 5 submissions from 5 submitters: Uncertain significance (1); Likely benign (3). 1 of the submissions does not count toward it. Last evaluated 2026-01-12.

Conditions:
SLC35C1-related disorder. Also called: SLC35C1-related condition.
Leukocyte adhesion deficiency type II. Also called: CONGENITAL DISORDER OF GLYCOSYLATION, TYPE IIc; CDG IIc; Congenital disorder of glycosylation type 2C; CDG 2C; Leukocyte adhesion deficiency type 2; Rambam Hasharon syndrome. Identifiers: Orphanet 2968, Orphanet 99843, MedGen C0398739, MONDO:0009953, OMIM 266265.

Allele frequency attached by ClinVar (database versions not stated): TOPMed 0.00005; gnomAD 0.00013; 1000 Genomes Project 30x 0.00031; ExAC 0.00031; gnomAD exomes 0.00031; 1000 Genomes Project 0.00040.

Submissions (5):

Labcorp Genetics (formerly Invitae), Labcorp
Classification: Likely benign for Leukocyte adhesion deficiency type II. Last evaluated: 2026-01-12. Review status: criteria provided, single submitter. Criteria: Invitae Variant Classification Sherloc (09022015). Collection method: clinical testing. Allele origin: germline.

CeGaT Center for Human Genetics Tuebingen
Classification: Likely benign. Last evaluated: 2023-10-01. Review status: criteria provided, single submitter. Criteria: CeGaT Center For Human Genetics Tuebingen Variant Classification Criteria Version 2. Collection method: clinical testing. Allele origin: germline. Affected: yes. Observed: 1 variant allele.
Comment: SLC35C1: BP4, BP7

Illumina Laboratory Services, Illumina
Classification: Uncertain significance for Leukocyte adhesion deficiency type II. Last evaluated: 2018-01-12. Review status: criteria provided, single submitter. Criteria: ICSL Variant Classification Criteria 13 December 2019. Collection method: clinical testing. Allele origin: germline.

GeneDx
Classification: Likely benign. Last evaluated: 2017-06-30. Review status: criteria provided, single submitter. Criteria: GeneDx Variant Classification (06012015). Collection method: clinical testing. Allele origin: germline. Affected: yes.
Comment: This variant is considered likely benign or benign based on one or more of the following criteria: it is a conservative change, it occurs at a poorly conserved position in the protein, it is predicted to be benign by multiple in silico algorithms, and/or has population frequency not consistent with disease.

PreventionGenetics, part of Exact Sciences
Classification: Likely benign for SLC35C1-related condition. Last evaluated: 2019-11-16. Review status: no assertion criteria provided. Collection method: clinical testing. Allele origin: germline. Not counted in ClinVar's aggregate classification.
Comment: This variant is classified as likely benign based on ACMG/AMP sequence variant interpretation guidelines (Richards et al. 2015 PMID: 25741868, with internal and published modifications).

NM_018389.5(SLC35C1):c.747C>T (p.Leu249=)

Gene: SLC35C1 (solute carrier family 35 member C1; plus strand). Cytogenetic location: 11p11.2.
Variant type: single nucleotide variant.
Coding change: c.747C>T on transcript NM_018389.5 (MANE Select); coding-DNA position 747, C replaced by T.
Protein change: p.Leu249=; no amino-acid change (leucine 249 retained).
Molecular consequence: synonymous variant.
Genome position (GRCh38, 1-based): chr11:45,810,987, C>T. VCF-style: chr11-45810987-C-T. GRCh37 (hg19) VCF-style: chr11-45832538-C-T.
Other names: c.708C>T, p.Leu236= (NM_001145266.2, NM_001145265.2).
Identifiers: ClinVar variation 304741 (VCV000304741.41), dbSNP rs567642788, ClinGen allele CA5958323.